The following is an entry in ClinVar:

NM_001349074.2(TBC1D5):c.1246-3dup

Gene: TBC1D5 (TBC1 domain family member 5; minus strand). Cytogenetic location: 3p24.3.
Variant type: Duplication.
Coding change: c.1246-3dup on transcript NM_001349074.2 (MANE Select); 3 bases into the intron before coding-DNA position 1246, one base duplicated (T; older notation c.1246-3dupT).
Molecular consequence: intron variant.
Genome position (GRCh38, 1-based): chr3:17,258,594, A duplicated on the plus strand (T on the coding strand, the reverse complement: TBC1D5 is on the minus strand); the first of 9 consecutive A bases (chr3:17,258,594-17,258,602); duplicating any one gives the same sequence. VCF-style (leftmost placement, unchanged base first): chr3-17258593-T-TA. GRCh37 (hg19) VCF-style: chr3-17300085-T-TA.
Other names: c.1246-3dup (NM_014744.2, NM_001349080.2, NM_001349073.2 and 6 more transcripts); c.838-3dup (NM_001349091.2, NM_001349086.2, NM_001349085.2 and 7 more transcripts); c.1267-3dup (NM_001349081.2).
Identifiers: ClinVar variation 3041409 (VCV003041409.2), dbSNP rs546735695, ClinGen allele CA2281326.

ClinVar aggregate classification (germline): Likely benign (0 of 4 stars; one submission).

Conditions:
TBC1D5-related disorder. Also called: TBC1D5-related condition.

Submission:

PreventionGenetics, part of Exact Sciences
Classification: Likely benign for TBC1D5-related condition. Last evaluated: 2020-05-11. Review status: no assertion criteria provided. Collection method: clinical testing. Allele origin: germline.
Comment: This variant is classified as likely benign based on ACMG/AMP sequence variant interpretation guidelines (Richards et al. 2015 PMID: 25741868, with internal and published modifications).